The following is an entry in ClinVar:

NM_018417.6(ADCY10):c.4816G>A (p.Val1606Met)

Gene: ADCY10 (adenylate cyclase 10; minus strand). Cytogenetic location: 1q24.2.
Variant type: single nucleotide variant.
Coding change: c.4816G>A on transcript NM_018417.6 (MANE Select); coding-DNA position 4816, G replaced by A.
Protein change: p.Val1606Met; replaces valine 1606 with methionine.
Molecular consequence: missense variant.
Genome position (GRCh38, 1-based): chr1:167,809,695, C>T on the plus strand (G>A on the coding strand, the complement: ADCY10 is on the minus strand). VCF-style: chr1-167809695-C-T. GRCh37 (hg19) VCF-style: chr1-167778932-C-T.
Other names: c.4357G>A, p.Val1453Met (NM_001167749.3); c.4540G>A, p.Val1514Met (NM_001297772.2); c.4816G>A (NM_018417.4); short protein forms V1453M, V1514M, V1606M.
Identifiers: ClinVar variation 1057787 (VCV001057787.9), dbSNP rs201892899, ClinGen allele CA1226912.
Genomic context (GRCh38, chr1:167,809,695, plus strand): 5'-CACAAGGACATAGTGCTTATTAAAATCTTTTTTCTTTGACATGTTAGAAATGATTGTCCA[C>T]GGTATTAGCTCTCATCAGGAATTTGTTTTTTTGAAGATCCTGAATGTTTACCCTGCCTGC-3'
Protein context (NP_060887.2, residues 1596-1610): KNKFLMRANT[Val1606Met]DNHF

ClinVar aggregate classification (germline): Uncertain significance. Review status: criteria provided, multiple submitters, no conflicts (2 of 4 stars). 3 submissions from 3 submitters: Uncertain significance (3). Last evaluated 2025-08-24.

Conditions:
Familial idiopathic hypercalciuria (HCA2). Also called: Hypercalciuria, absorptive, 2; Hypercalciuria, absorptive, susceptibility to. Identifiers: MedGen C0342639, MONDO:0007748, OMIM 143870.

Allele frequency attached by ClinVar (database versions not stated): ExAC 0.00002; TOPMed 0.00004; gnomAD 0.00005; ESP Exome Variant Server 0.00008.
gnomAD v4.1: 67 of 1,613,964 alleles (0.0042%); highest among the groups gnomAD compares: East Asian, 0.027%; no homozygotes.

Submissions (3):

Ambry Genetics
Classification: Uncertain significance. Last evaluated: 2025-08-24. Review status: criteria provided, single submitter. Criteria: Ambry Variant Classification Scheme 2023. Collection method: clinical testing. Allele origin: germline.

Labcorp Genetics (formerly Invitae), Labcorp
Classification: Uncertain significance. Last evaluated: 2025-03-13. Review status: criteria provided, single submitter. Criteria: Invitae Variant Classification Sherloc (09022015). Collection method: clinical testing. Allele origin: germline.
Comment: This sequence change replaces valine, which is neutral and non-polar, with methionine, which is neutral and non-polar, at codon 1606 of the ADCY10 protein (p.Val1606Met). This variant is present in population databases (rs201892899, gnomAD 0.006%). This variant has not been reported in the literature in individuals affected with ADCY10-related conditions. ClinVar contains an entry for this variant (Variation ID: 1057787). An algorithm developed to predict the effect of missense changes on protein structure and function outputs the following: PolyPhen-2: "Benign". The methionine amino acid residue is found in multiple mammalian species, which suggests that this missense change does not adversely affect protein function. In summary, the available evidence is currently insufficient to determine the role of this variant in disease. Therefore, it has been classified as a Variant of Uncertain Significance.

Fulgent Genetics
Classification: Uncertain significance for Familial idiopathic hypercalciuria. Last evaluated: 2022-05-28. Review status: criteria provided, single submitter. Criteria: ACMG Guidelines, 2015. Collection method: clinical testing. Allele origin: unknown.